The following is an entry in ClinVar:

NM_021930.6(RINT1):c.92A>T (p.Asp31Val)

Gene: RINT1 (RAD50 interactor 1; plus strand). Cytogenetic location: 7q22.3.
Variant type: single nucleotide variant.
Coding change: c.92A>T on transcript NM_021930.6 (MANE Select); coding-DNA position 92, A replaced by T.
Protein change: p.Asp31Val; replaces aspartic acid 31 with valine.
Molecular consequence: missense variant. On other transcripts: 5 prime UTR variant (4), non-coding transcript variant (1).
Genome position (GRCh38, 1-based): chr7:105,536,568, A>T. VCF-style: chr7-105536568-A-T. GRCh37 (hg19) VCF-style: chr7-105177015-A-T.
Other names: c.-6A>T (NM_001346599.2); c.-928A>T (NM_001346600.2); c.-831A>T (NM_001346601.2); c.-451A>T (NM_001346603.2); short protein forms D31V.
Identifiers: ClinVar variation 4863325 (VCV004863325.1).

ClinVar aggregate classification (germline): Uncertain significance (1 of 4 stars; one submission).

gnomAD v4.1: 1 of 1,580,488 alleles (0.000063%); highest among the groups gnomAD compares: Admixed American, 0.0018%; no homozygotes.

Submission:

Ambry Genetics
Classification: Uncertain significance. Last evaluated: 2026-04-02. Review status: criteria provided, single submitter. Criteria: Ambry Variant Classification Scheme 2023. Collection method: clinical testing. Allele origin: germline.
Comment: The p.D31V variant (also known as c.92A>T), located in coding exon 3 of the RINT1 gene, results from an A to T substitution at nucleotide position 92. The aspartic acid at codon 31 is replaced by valine, an amino acid with highly dissimilar properties. This amino acid position is conserved. In addition, this alteration is predicted to be tolerated by in silico analysis. Based on the available evidence, the clinical significance of this variant remains unclear.